The following is an entry in ClinVar:

ClinVar aggregate classification (germline): Uncertain significance (1 of 4 stars; one submission).

gnomAD v4.1: 1 of 1,613,910 alleles (0.000062%); no homozygotes.

Submission:

Ambry Genetics
Classification: Uncertain significance. Last evaluated: 2025-10-02. Review status: criteria provided, single submitter. Criteria: Ambry Variant Classification Scheme 2023. Collection method: clinical testing. Allele origin: germline.
Comment: The p.C411R variant (also known as c.1231T>C), located in coding exon 4 of the WNK2 gene, results from a T to C substitution at nucleotide position 1231. The cysteine at codon 411 is replaced by arginine, an amino acid with highly dissimilar properties. This amino acid position is conserved. In addition, this alteration is predicted to be tolerated by in silico analysis. Based on the available evidence, the clinical significance of this variant remains unclear.

NM_006648.4(WNK2):c.1231T>C (p.Cys411Arg)

Gene: WNK2 (WNK lysine deficient protein kinase 2; plus strand). Cytogenetic location: 9q22.31.
Variant type: single nucleotide variant.
Coding change: c.1231T>C on transcript NM_006648.4 (MANE Select); coding-DNA position 1231, T replaced by C.
Protein change: p.Cys411Arg; replaces cysteine 411 with arginine.
Molecular consequence: missense variant.
Genome position (GRCh38, 1-based): chr9:93,234,963, T>C. VCF-style: chr9-93234963-T-C. GRCh37 (hg19) VCF-style: chr9-95997245-T-C.
Other names: c.1231T>C, p.Cys411Arg (NM_001282394.3); short protein forms C411R.
Identifiers: ClinVar variation 4605215 (VCV004605215.1).